The following is an entry in ClinVar:

ClinVar aggregate classification (germline): Uncertain significance (1 of 4 stars; one submission).

Conditions:
Autosomal recessive limb-girdle muscular dystrophy type 2E (LGMDR4). Also called: MUSCULAR DYSTROPHY, LIMB-GIRDLE, AUTOSOMAL RECESSIVE 4. Identifiers: Orphanet 119, MedGen C1858593, MONDO:0011423, OMIM 604286. Disease mechanism: Affects gamma-sarcoglycan and also disrupts the integrity of the entire sarcoglycan complex..

Submission:

Labcorp Genetics (formerly Invitae), Labcorp
Classification: Uncertain significance for Autosomal recessive limb-girdle muscular dystrophy type 2E. Last evaluated: 2024-07-22. Review status: criteria provided, single submitter. Criteria: Invitae Variant Classification Sherloc (09022015). Collection method: clinical testing. Allele origin: germline.
Comment: This sequence change replaces valine, which is neutral and non-polar, with glycine, which is neutral and non-polar, at codon 300 of the SGCB protein (p.Val300Gly). This variant is not present in population databases (gnomAD no frequency). This variant has not been reported in the literature in individuals affected with SGCB-related conditions. Advanced modeling of protein sequence and biophysical properties (such as structural, functional, and spatial information, amino acid conservation, physicochemical variation, residue mobility, and thermodynamic stability) performed at Invitae indicates that this missense variant is not expected to disrupt SGCB protein function with a negative predictive value of 80%. In summary, the available evidence is currently insufficient to determine the role of this variant in disease. Therefore, it has been classified as a Variant of Uncertain Significance.

NM_000232.5(SGCB):c.899T>G (p.Val300Gly)

Gene: SGCB (sarcoglycan beta; minus strand). Cytogenetic location: 4q12.
Variant type: single nucleotide variant.
Coding change: c.899T>G on transcript NM_000232.5 (MANE Select); coding-DNA position 899, T replaced by G.
Protein change: p.Val300Gly; replaces valine 300 with glycine.
Molecular consequence: missense variant.
Genome position (GRCh38, 1-based): chr4:52,024,015, A>C on the plus strand (T>G on the coding strand, the complement: SGCB is on the minus strand). VCF-style: chr4-52024015-A-C. GRCh37 (hg19) VCF-style: chr4-52890181-A-C.
Other names: short protein forms V300G.
Identifiers: ClinVar variation 3676568 (VCV003676568.2).